The following is an entry in ClinVar:

ClinVar aggregate classification (germline): Uncertain significance. Review status: criteria provided, multiple submitters, no conflicts (2 of 4 stars). 2 submissions from 2 submitters: Uncertain significance (2). Last evaluated 2022-07-19.

Conditions:
Nephronophthisis. Also called: Juvenile Nephronophthisis. Identifiers: Orphanet 655, MedGen C0687120, MONDO:0019005, HP:0000090.

Submissions (2):

Labcorp Genetics (formerly Invitae), Labcorp
Classification: Uncertain significance for Nephronophthisis. Last evaluated: 2022-07-19. Review status: criteria provided, single submitter. Criteria: Invitae Variant Classification Sherloc (09022015). Collection method: clinical testing. Allele origin: germline.
Comment: ClinVar contains an entry for this variant (Variation ID: 1040108). Algorithms developed to predict the effect of missense changes on protein structure and function are either unavailable or do not agree on the potential impact of this missense change (SIFT: "Deleterious"; PolyPhen-2: "Probably Damaging"; Align-GVGD: "Class C0"). In summary, the available evidence is currently insufficient to determine the role of this variant in disease. Therefore, it has been classified as a Variant of Uncertain Significance. This sequence change replaces phenylalanine, which is neutral and non-polar, with cysteine, which is neutral and slightly polar, at codon 447 of the NPHP4 protein (p.Phe447Cys). This variant is not present in population databases (gnomAD no frequency). This variant has not been reported in the literature in individuals affected with NPHP4-related conditions.

Blueprint Genetics
Classification: Uncertain significance. Last evaluated: 2021-07-21. Review status: criteria provided, single submitter. Criteria: ACMG Guidelines, 2015. Collection method: clinical testing. Allele origin: germline.

NM_015102.5(NPHP4):c.1340T>G (p.Phe447Cys)

Gene: NPHP4 (nephrocystin 4; minus strand). Cytogenetic location: 1p36.31.
Variant type: single nucleotide variant.
Coding change: c.1340T>G on transcript NM_015102.5 (MANE Select); coding-DNA position 1340, T replaced by G.
Protein change: p.Phe447Cys; replaces phenylalanine 447 with cysteine.
Molecular consequence: missense variant. On other transcripts: 5 prime UTR variant (2), non-coding transcript variant (1).
Genome position (GRCh38, 1-based): chr1:5,927,750, A>C on the plus strand (T>G on the coding strand, the complement: NPHP4 is on the minus strand). VCF-style: chr1-5927750-A-C. GRCh37 (hg19) VCF-style: chr1-5987810-A-C.
Other names: c.-27T>G (NM_001291593.2, NM_001291594.2); short protein forms F447C.
Identifiers: ClinVar variation 1040108 (VCV001040108.9), dbSNP rs1646081863, ClinGen allele CA338060185.